The following is an entry in ClinVar:

ClinVar aggregate classification (germline): Pathogenic/Likely pathogenic. Review status: criteria provided, multiple submitters, no conflicts (2 of 4 stars). 3 submissions from 3 submitters: Pathogenic (1); Likely pathogenic (2). Last evaluated 2025-12-22.

Conditions:
Karyomegalic interstitial nephritis. Identifiers: Orphanet 401996, MedGen C3553774, MONDO:0013898, OMIM 614817.
FAN1-related disorder. Also called: FAN1-related condition.

gnomAD v4.1: 13 of 1,613,492 alleles (0.00081%); highest among the groups gnomAD compares: Admixed American, 0.015%; no homozygotes.

Submissions (3):

Dasa
Classification: Likely pathogenic. Last evaluated: 2025-12-22. Review status: criteria provided, single submitter. Criteria: DASA Assertion Criteria. Collection method: clinical testing. Allele origin: germline.
Comment: NM_014967.5(FAN1):c.141C>A (p.Cys47*) introduces a premature termination codon predicted to result in loss of normal protein function. Loss-of-function is an established mechanism of disease for this gene. Functional evidence supports a deleterious effect on the gene or gene product (PMID: 26052075; PMID: 28452373; PMID: 26546047). This variant has been recurrently observed in individuals with related phenotype (PMID: 26052075; PMID: 28452373; PMID: 26546047). The variant is present at low frequency in population datasets. Based on the available data, this variant is classified as likely pathogenic.

Fulgent Genetics
Classification: Likely pathogenic for Karyomegalic interstitial nephritis. Last evaluated: 2024-05-29. Review status: criteria provided, single submitter. Criteria: ACMG Guidelines, 2015. Collection method: clinical testing. Allele origin: germline.

PreventionGenetics, part of Exact Sciences
Classification: Pathogenic for FAN1-related condition. Last evaluated: 2022-10-16. Review status: criteria provided, single submitter. Criteria: ACMG Guidelines, 2015. Collection method: clinical testing. Allele origin: germline.
Comment: The FAN1 c.141C>A variant is predicted to result in premature protein termination (p.Cys47*). This variant has been reported in an individual with colorectal cancer (Seguí et al 2015. PubMed ID: 26052075). This variant is reported in 0.017% of alleles in individuals of Latino descent in gnomAD. Nonsense variants in FAN1 are expected to be pathogenic. This variant is interpreted as pathogenic.

Literature cited by the submitters: PubMed 26052075 (cited by Dasa); PubMed 28452373 (cited by Dasa); PubMed 26546047 (cited by Dasa).

NM_014967.5(FAN1):c.141C>A (p.Cys47Ter)

Gene: FAN1 (FANCD2 and FANCI associated nuclease 1; plus strand). Cytogenetic location: 15q13.3.
Variant type: single nucleotide variant.
Coding change: c.141C>A on transcript NM_014967.5 (MANE Select); coding-DNA position 141, C replaced by A.
Protein change: p.Cys47Ter; replaces cysteine 47 with a stop codon.
Molecular consequence: nonsense.
Genome position (GRCh38, 1-based): chr15:30,904,804, C>A. VCF-style: chr15-30904804-C-A. GRCh37 (hg19) VCF-style: chr15-31197007-C-A.
Other names: c.141C>A, p.Cys47Ter (NM_001146094.2, NM_001146095.1, NM_001146096.2); short protein forms C47*.
Identifiers: ClinVar variation 2637123 (VCV002637123.3), dbSNP rs144469584, ClinGen allele CA7449987.
Genomic context (GRCh38, chr15:30,904,804, plus strand): 5'-TAATTCTATTATTTCGTGTTTTAACAATGCACCACCTGCTAAACTTGCCTGCCCCGTTTG[C>A]AGTAAAATGGTGCCTAGATATGACTTAAACCGGCACCTTGATGAAATGTGTGCTAACAAT-3'